The following is an entry in ClinVar:

NM_017882.3(CLN6):c.231C>G (p.Asn77Lys)

Gene: CLN6 (CLN6 transmembrane ER protein; minus strand). Cytogenetic location: 15q23.
Variant type: single nucleotide variant.
Coding change: c.231C>G on transcript NM_017882.3 (MANE Select); coding-DNA position 231, C replaced by G.
Protein change: p.Asn77Lys; replaces asparagine 77 with lysine.
Molecular consequence: missense variant.
Genome position (GRCh38, 1-based): chr15:68,214,356, G>C on the plus strand (C>G on the coding strand, the complement: CLN6 is on the minus strand). VCF-style: chr15-68214356-G-C. GRCh37 (hg19) VCF-style: chr15-68506694-G-C.
Other names: short protein forms N77K.
Identifiers: ClinVar variation 68095 (VCV000068095.1), dbSNP rs154774641, ClinGen allele CA284817.

ClinVar aggregate classification (germline): not provided (0 of 4 stars; one submission).

Submission:

SNPedia
No classification provided. Review status: no classification provided. Collection method: not provided. Allele origin: germline.
Comment: Kufs Type A disease